The following is an entry in ClinVar:

NM_022772.4(EPS8L2):c.530_531dup (p.Lys178fs)

Genes: EPS8L2 (EPS8 signaling adaptor L2; plus strand), LOC130005076 (ATAC-STARR-seq lymphoblastoid silent region 3016; plus strand). Cytogenetic location: 11p15.5.
Variant type: Duplication.
Coding change: c.530_531dup on transcript NM_022772.4 (MANE Select); coding-DNA positions 530 to 531, 2 bases duplicated (GC; older notation c.530_531dupGC).
Protein change: p.Lys178fs; shifts the reading frame from lysine 178.
Molecular consequence: frameshift variant.
Genome position (GRCh38, 1-based): chr11:720,882-720,883, GC duplicated. VCF-style (leftmost placement, unchanged base first): chr11-720881-G-GGC. GRCh37 (hg19) VCF-style: chr11-720881-G-GGC.
Other names: short protein forms K178fs.
Identifiers: ClinVar variation 1454470 (VCV001454470.6), dbSNP rs779909774, ClinGen allele CA5787181.
Genomic context (GRCh38, chr11:720,881, plus strand): 5'-CTTTCCCAGGCAGAGCTGGTGCACGAGGACATCGAGAGCGCGTTGGCCGACTGCCGGCTG[G>GGC]GCAAGAAGATGCGGCCGCAGACCCTGAAGTAGGGCAGCGGGCGGAGCGGGGTCGCAGGGG-3'

ClinVar aggregate classification (germline): Pathogenic (1 of 4 stars; one submission).

Allele frequency attached by ClinVar (database versions not stated): gnomAD exomes 0.00002 and 0.00007; TOPMed 0.00002.

Submission:

Labcorp Genetics (formerly Invitae), Labcorp
Classification: Pathogenic. Last evaluated: 2025-05-01. Review status: criteria provided, single submitter. Criteria: Invitae Variant Classification Sherloc (09022015). Collection method: clinical testing. Allele origin: germline.
Comment: This sequence change creates a premature translational stop signal (p.Lys178Alafs*9) in the EPS8L2 gene. It is expected to result in an absent or disrupted protein product. Loss-of-function variants in EPS8L2 are known to be pathogenic (PMID: 26282398, 28281779). This variant is present in population databases (rs779909774, gnomAD 0.03%). This variant has not been reported in the literature in individuals affected with EPS8L2-related conditions. ClinVar contains an entry for this variant (Variation ID: 1454470). For these reasons, this variant has been classified as Pathogenic.

Literature cited by the submitters: PubMed 26282398; PubMed 28281779.